The following is an entry in ClinVar:

ClinVar aggregate classification (germline): Uncertain significance (1 of 4 stars; one submission).

Allele frequency attached by ClinVar (database versions not stated): gnomAD 0.00001; ESP Exome Variant Server 0.00008.
gnomAD v4.1: 19 of 1,613,786 alleles (0.0012%); highest among the groups gnomAD compares: Non-Finnish European, 0.0016%; no homozygotes.

Submission:

Labcorp Genetics (formerly Invitae), Labcorp
Classification: Uncertain significance. Last evaluated: 2022-07-19. Review status: criteria provided, single submitter. Criteria: Invitae Variant Classification Sherloc (09022015). Collection method: clinical testing. Allele origin: germline.
Comment: This sequence change replaces glycine, which is neutral and non-polar, with arginine, which is basic and polar, at codon 17 of the SLC24A5 protein (p.Gly17Arg). This variant is present in population databases (rs370452726, gnomAD 0.004%). This variant has not been reported in the literature in individuals affected with SLC24A5-related conditions. Algorithms developed to predict the effect of missense changes on protein structure and function (SIFT, PolyPhen-2, Align-GVGD) all suggest that this variant is likely to be tolerated. In summary, the available evidence is currently insufficient to determine the role of this variant in disease. Therefore, it has been classified as a Variant of Uncertain Significance.

NM_205850.3(SLC24A5):c.49G>C (p.Gly17Arg)

Gene: SLC24A5 (solute carrier family 24 member 5; plus strand). Cytogenetic location: 15q21.1.
Variant type: single nucleotide variant.
Coding change: c.49G>C on transcript NM_205850.3 (MANE Select); coding-DNA position 49, G replaced by C.
Protein change: p.Gly17Arg; replaces glycine 17 with arginine.
Molecular consequence: missense variant.
Genome position (GRCh38, 1-based): chr15:48,121,093, G>C. VCF-style: chr15-48121093-G-C. GRCh37 (hg19) VCF-style: chr15-48413290-G-C.
Other names: short protein forms G17R.
Identifiers: ClinVar variation 2072407 (VCV002072407.1), dbSNP rs370452726, ClinGen allele CA7545738.